The following is an entry in ClinVar:

NM_017415.3(KLHL3):c.1150C>T (p.Arg384Trp)

Gene: KLHL3 (kelch like family member 3; minus strand). Cytogenetic location: 5q31.2.
Variant type: single nucleotide variant.
Coding change: c.1150C>T on transcript NM_017415.3 (MANE Select); coding-DNA position 1150, C replaced by T.
Protein change: p.Arg384Trp; replaces arginine 384 with tryptophan.
Molecular consequence: missense variant.
Genome position (GRCh38, 1-based): chr5:137,639,022, G>A on the plus strand (C>T on the coding strand, the complement: KLHL3 is on the minus strand). VCF-style: chr5-137639022-G-A. GRCh37 (hg19) VCF-style: chr5-136974711-G-A.
Other names: c.1054C>T, p.Arg352Trp (NM_001257194.1); c.904C>T, p.Arg302Trp (NM_001257195.2); short protein forms R384W, R302W, R352W.
Identifiers: ClinVar variation 3591718 (VCV003591718.2).

ClinVar aggregate classification (germline): Uncertain significance. Review status: criteria provided, multiple submitters, no conflicts (2 of 4 stars). 2 submissions from 2 submitters: Uncertain significance (2). Last evaluated 2024-12-11.

Conditions:
Pseudohypoaldosteronism type 2D (PHA2D). Also called: FAMILIAL HYPERKALEMIC HYPERTENSION; PSEUDOHYPOALDOSTERONISM, TYPE IID, AUTOSOMAL DOMINANT OR RECESSIVE; Pseudohypoaldosteronism Type IID. Identifiers: Orphanet 300525, Orphanet 757, MedGen C3469605, MONDO:0013781, OMIM 614495.

gnomAD v4.1: 12 of 1,614,012 alleles (0.00074%); highest among the groups gnomAD compares: Admixed American, 0.0067%; no homozygotes.

Submissions (2):

Women's Health and Genetics/Laboratory Corporation of America, LabCorp
Classification: Uncertain significance. Last evaluated: 2024-12-11. Review status: criteria provided, single submitter. Criteria: LabCorp Variant Classification Summary - May 2015. Collection method: clinical testing. Allele origin: germline.
Comment: Variant summary: KLHL3 c.1150C>T (p.Arg384Trp) results in a non-conservative amino acid change located in the Kelch repeat type 1 (IPR006652) of the encoded protein sequence. Five of five in-silico tools predict a damaging effect of the variant on protein function. The variant allele was found at a frequency of 1.6e-05 in 251082 control chromosomes. c.1150C>T has been reported in the literature in individuals affected with familial hyperkalemic hypertension (Louis-Dit-Picard_2012). These data indicate that the variant may be associated with disease. To our knowledge, no experimental evidence demonstrating an impact on protein function has been reported. The following publication have been ascertained in the context of this evaluation (PMID: 22406640). No submitters have cited clinical-significance assessments for this variant to ClinVar. Based on the evidence outlined above, the variant was classified as VUS-possibly pathogenic.

Fulgent Genetics
Classification: Uncertain significance for Pseudohypoaldosteronism type 2D. Last evaluated: 2024-01-10. Review status: criteria provided, single submitter. Criteria: ACMG Guidelines, 2015. Collection method: clinical testing. Allele origin: germline.

Literature cited by the submitters: PubMed 22406640 (cited by Women's Health and Genetics/Laboratory Corporation of America, LabCorp).